The following is an entry in ClinVar:

ClinVar aggregate classification (germline): Uncertain significance (1 of 4 stars; one submission).

Conditions:
Episodic ataxia type 2 (EA2). Also called: ATAXIA, EPISODIC, WITH NYSTAGMUS; ATAXIA, FAMILIAL PAROXYSMAL; ACETAZOLAMIDE-RESPONSIVE HEREDITARY PAROXYSMAL CEREBELLAR ATAXIA; CEREBELLAR ATAXIA, PAROXYSMAL, ACETAZOLAMIDE-RESPONSIVE; CEREBELLOPATHY, HEREDITARY PAROXYSMAL; EPISODIC ATAXIA, NYSTAGMUS-ASSOCIATED. Identifiers: Orphanet 97, MedGen C1720416, MONDO:0007163, OMIM 108500.
Developmental and epileptic encephalopathy, 42 (DEE42A). Also called: Epileptic encephalopathy, early infantile, 42; DEVELOPMENTAL AND EPILEPTIC ENCEPHALOPATHY 42A; EPILEPTIC ENCEPHALOPATHY, EARLY INFANTILE, 42A. Identifiers: MedGen C4310716, MONDO:0014917, OMIM 617106.

Submission:

Labcorp Genetics (formerly Invitae), Labcorp
Classification: Uncertain significance for Developmental and epileptic encephalopathy, 42; Episodic ataxia type 2. Last evaluated: 2025-07-31. Review status: criteria provided, single submitter. Criteria: Invitae Variant Classification Sherloc (09022015). Collection method: clinical testing. Allele origin: germline.
Comment: This sequence change replaces proline, which is neutral and non-polar, with serine, which is neutral and polar, at codon 897 of the CACNA1A protein (p.Pro897Ser). This variant is not present in population databases (gnomAD no frequency). This variant has not been reported in the literature in individuals affected with CACNA1A-related conditions. ClinVar contains an entry for this variant (Variation ID: 3754163). Invitae Evidence Modeling of protein sequence and biophysical properties (such as structural, functional, and spatial information, amino acid conservation, physicochemical variation, residue mobility, and thermodynamic stability) indicates that this missense variant is not expected to disrupt CACNA1A protein function with a negative predictive value of 95%. In summary, the available evidence is currently insufficient to determine the role of this variant in disease. Therefore, it has been classified as a Variant of Uncertain Significance.

NM_001127222.2(CACNA1A):c.2686C>T (p.Pro896Ser)

Gene: CACNA1A (calcium voltage-gated channel subunit alpha1 A; minus strand). Cytogenetic location: 19p13.13.
Variant type: single nucleotide variant.
Coding change: c.2686C>T on transcript NM_001127222.2 (MANE Select); coding-DNA position 2686, C replaced by T.
Protein change: p.Pro896Ser; replaces proline 896 with serine.
Molecular consequence: missense variant.
Genome position (GRCh38, 1-based): chr19:13,298,947, G>A on the plus strand (C>T on the coding strand, the complement: CACNA1A is on the minus strand). VCF-style: chr19-13298947-G-A. GRCh37 (hg19) VCF-style: chr19-13409761-G-A.
Other names: c.2698C>T, p.Pro900Ser (NM_000068.4, NM_023035.3); c.2689C>T, p.Pro897Ser (NM_001127221.2, NM_001174080.2); short protein forms P896S, P897S, P900S.
Identifiers: ClinVar variation 3754163 (VCV003754163.2).